The following is an entry in ClinVar:

NM_000350.3(ABCA4):c.1988G>A (p.Trp663Ter)

Gene: ABCA4 (ATP binding cassette subfamily A member 4; minus strand). Cytogenetic location: 1p22.1.
Variant type: single nucleotide variant.
Coding change: c.1988G>A on transcript NM_000350.3 (MANE Select); coding-DNA position 1988, G replaced by A.
Protein change: p.Trp663Ter; replaces tryptophan 663 with a stop codon.
Molecular consequence: nonsense.
Genome position (GRCh38, 1-based): chr1:94,060,709, C>T on the plus strand (G>A on the coding strand, the complement: ABCA4 is on the minus strand). VCF-style: chr1-94060709-C-T. GRCh37 (hg19) VCF-style: chr1-94526265-C-T.
Other names: c.1988G>A, p.Trp663Ter (NM_001425324.1); short protein forms W663*.
Identifiers: ClinVar variation 372289 (VCV000372289.55), dbSNP rs865990202, ClinGen allele CA16042332.

ClinVar aggregate classification (germline): Pathogenic/Likely pathogenic. Review status: criteria provided, multiple submitters, no conflicts (2 of 4 stars). 7 submissions from 7 submitters: Pathogenic (6); Likely pathogenic (1). Last evaluated 2025-07-13.

Conditions:
Retinitis pigmentosa 19 (RP19). Also called: ABCA4-Related Retinitis Pigmentosa. Identifiers: Orphanet 791, MedGen C1866422, MONDO:0011137, OMIM 601718.
Retinal dystrophy. Also called: Inherited retinal dystrophy. Identifiers: Orphanet 71862, MedGen C0854723, MeSH D058499, MONDO:0019118, HP:0000556.
Age related macular degeneration 2. Also called: MACULOPATHY, AGE-RELATED; MACULAR DEGENERATION, SENILE; MACULOPATHY, AGE-RELATED, 2. Identifiers: MedGen C3495438, MONDO:0007932, OMIM 153800.
Severe early-childhood-onset retinal dystrophy (STGD1). Also called: Stargardt macular dystrophy; Juvenile onset macular degeneration; Stargardt disease 1; STGD; MACULAR DYSTROPHY WITH FLECKS, TYPE 1. Identifiers: Orphanet 364055, Orphanet 827, MedGen C1855465, MeSH D000080362, MONDO:0009549, OMIM 248200.
Cone-rod dystrophy 3 (CORD3). Identifiers: Orphanet 1872, MedGen C1858806, MONDO:0011395, OMIM 604116.

Allele frequency attached by ClinVar (database versions not stated): gnomAD exomes below 0.00001; TOPMed below 0.00001.
gnomAD v4.1: 2 of 1,614,018 alleles (0.00012%); highest among the groups gnomAD compares: Non-Finnish European, 0.00017%; no homozygotes.

Submissions (7):

GeneDx
Classification: Pathogenic. Last evaluated: 2025-07-13. Review status: criteria provided, single submitter. Criteria: GeneDx Variant Classification Process June 2021. Collection method: clinical testing. Allele origin: germline. Affected: yes.
Comment: Nonsense variant predicted to result in protein truncation or nonsense mediated decay in a gene for which loss of function is a known mechanism of disease; Not observed at significant frequency in large population cohorts (gnomAD); This variant is associated with the following publications: (PMID: 35120629, 32307445, 12397427, 14517951, 11923272, 17562343, 25525159, 10958763, 20647261, 28559085, 38309476, 33546218, 29848554, 34874912, 25640233, 37734845, 32531858, 27353947, 22312191)

Fulgent Genetics
Classification: Pathogenic for Age related macular degeneration 2; Severe early-childhood-onset retinal dystrophy; Retinitis pigmentosa 19; Cone-rod dystrophy 3. Last evaluated: 2024-04-16. Review status: criteria provided, single submitter. Criteria: ACMG Guidelines, 2015. Collection method: clinical testing. Allele origin: germline.

Institute of Medical Molecular Genetics, University of Zurich
Classification: Likely pathogenic for Retinitis pigmentosa 19. Last evaluated: 2021-01-30. Review status: criteria provided, single submitter. Criteria: ACMG Guidelines, 2015. Collection method: clinical testing. Allele origin: unknown. Affected: yes.

Labcorp Genetics (formerly Invitae), Labcorp
Classification: Pathogenic. Last evaluated: 2021-01-29. Review status: criteria provided, single submitter. Criteria: Invitae Variant Classification Sherloc (09022015). Collection method: clinical testing. Allele origin: germline.
Comment: This variant is not present in population databases (ExAC no frequency). This sequence change creates a premature translational stop signal (p.Trp663*) in the ABCA4 gene. It is expected to result in an absent or disrupted protein product. Loss-of-function variants in ABCA4 are known to be pathogenic (PMID: 10958761, 24938718, 25312043, 26780318). This variant has been observed in individual(s) with Stargradt disease (PMID: 10958763, 28559085). ClinVar contains an entry for this variant (Variation ID: 372289). For these reasons, this variant has been classified as Pathogenic. Algorithms developed to predict the effect of sequence changes on RNA splicing suggest that this variant may create or strengthen a splice site, but this prediction has not been confirmed by published transcriptional studies.

Institute of Human Genetics, Univ. Regensburg, Univ. Regensburg
Classification: Pathogenic for Retinal dystrophy. Last evaluated: 2021-01-01. Review status: criteria provided, single submitter. Criteria: ACMG Guidelines, 2015. Collection method: clinical testing. Allele origin: germline. Affected: yes.

Institute of Medical Genetics and Applied Genomics, University Hospital Tübingen
Classification: Pathogenic. Last evaluated: 2020-10-23. Review status: criteria provided, single submitter. Criteria: ACMG Guidelines, 2015. Collection method: clinical testing. Allele origin: germline. Inheritance: Autosomal recessive inheritance. Affected: yes.

CeGaT Center for Human Genetics Tuebingen
Classification: Pathogenic. Last evaluated: 2017-04-01. Review status: criteria provided, single submitter. Criteria: CeGaT Center For Human Genetics Tuebingen Variant Classification Criteria Version 2. Collection method: clinical testing. Allele origin: germline. Affected: yes. Observed: 3 variant alleles.

Literature cited by the submitters: PubMed 10958761 (cited by Labcorp Genetics (formerly Invitae), Labcorp); PubMed 24938718 (cited by Labcorp Genetics (formerly Invitae), Labcorp); PubMed 25312043 (cited by Labcorp Genetics (formerly Invitae), Labcorp); PubMed 26780318 (cited by Labcorp Genetics (formerly Invitae), Labcorp); PubMed 10958763 (cited by Labcorp Genetics (formerly Invitae), Labcorp and Institute of Human Genetics, Univ. Regensburg, Univ. Regensburg); PubMed 28559085 (cited by Labcorp Genetics (formerly Invitae), Labcorp and Institute of Human Genetics, Univ. Regensburg, Univ. Regensburg); PubMed 20647261 (cited by Institute of Human Genetics, Univ. Regensburg, Univ. Regensburg); PubMed 25640233 (cited by Institute of Human Genetics, Univ. Regensburg, Univ. Regensburg); PubMed 25525159 (cited by Institute of Human Genetics, Univ. Regensburg, Univ. Regensburg); PubMed 32307445 (cited by Institute of Human Genetics, Univ. Regensburg, Univ. Regensburg); PubMed 32531858 (cited by Institute of Human Genetics, Univ. Regensburg, Univ. Regensburg).